The following is an entry in ClinVar:

ClinVar aggregate classification (germline): Uncertain significance. Review status: criteria provided, multiple submitters, no conflicts (2 of 4 stars). 3 submissions from 3 submitters: Uncertain significance (2). 1 of the submissions does not count toward it. Last evaluated 2023-04-18.

Conditions:
Activated PI3K-delta syndrome. Identifiers: Orphanet 397596, MedGen C3714976, MONDO:0018338.
Immunodeficiency 14 (IMD14A). Also called: ACTIVATED PI3K-DELTA SYNDROME 1; Activated PI3K Delta Syndrome Type 1 (APDS1); p110-DELTA-ACTIVATING MUTATION CAUSING SENESCENT T CELLS, LYMPHADENOPATHY, AND IMMUNODEFICIENCY; IMMUNODEFICIENCY 14A WITH LYMPHOPROLIFERATION, AUTOSOMAL DOMINANT. Identifiers: Orphanet 397596, Orphanet 693661, MedGen C5907821, MONDO:0014222, OMIM 615513.

Allele frequency attached by ClinVar (database versions not stated): gnomAD exomes 0.00001; TOPMed 0.00001.

Submissions (3):

Labcorp Genetics (formerly Invitae), Labcorp
Classification: Uncertain significance for Activated PI3K-delta syndrome. Last evaluated: 2023-04-18. Review status: criteria provided, single submitter. Criteria: Invitae Variant Classification Sherloc (09022015). Collection method: clinical testing. Allele origin: germline.
Comment: This sequence change replaces methionine, which is neutral and non-polar, with valine, which is neutral and non-polar, at codon 353 of the PIK3CD protein (p.Met353Val). This variant has not been reported in the literature in individuals affected with PIK3CD-related conditions. ClinVar contains an entry for this variant (Variation ID: 1495102). Advanced modeling of protein sequence and biophysical properties (such as structural, functional, and spatial information, amino acid conservation, physicochemical variation, residue mobility, and thermodynamic stability) performed at Invitae indicates that this missense variant is not expected to disrupt PIK3CD protein function. In summary, the available evidence is currently insufficient to determine the role of this variant in disease. Therefore, it has been classified as a Variant of Uncertain Significance. This variant is not present in population databases (gnomAD no frequency).

Blueprint Genetics
Classification: Uncertain significance. Last evaluated: 2020-08-06. Review status: criteria provided, single submitter. Criteria: ACMG Guidelines, 2015. Collection method: clinical testing. Allele origin: germline.

Rarefied Biosciences Lab
Classification: Likely benign for Activated PI3K-delta syndrome. Review status: no assertion criteria provided. Collection method: research. Allele origin: germline, not applicable. Affected: yes. Functional consequence: gain_of_function_variant. Not counted in ClinVar's aggregate classification.
Comment: PIK3CD c.1057A>G (p.Met353Val) variant results in a missense substitution of methionine to valine at codon 353. This position lies outside of critical functional domains of the PIK3CD protein, and the amino acid change is conservative. The variant is extremely rare in the population, with a gnomAD exome allele frequency of 0.00000206, consistent with a benign variant in the context of rare disease. Immunophenotyping showed transitional B cells at 6.5%, within normal range, while T follicular helper (TFH) cells were elevated at 21.5%. Although elevated TFH may suggest some immune activation, the finding is nonspecific and not sufficient to support pathogenicity, particularly in the absence of other functional abnormalities. Importantly, there was no evidence of mTOR pathway activation, indicating preserved PI3K signaling function. Computational predictions support a benign interpretation: REVEL score of 0.141 (Benign Moderate), AlphaMissense score of 0.1076 (Benign Moderate), and SIFT score of 1.0 (Benign Moderate). Considering the rare population frequency, lack of mTOR activation, minimal immune deviation, and consistent benign predictions from in silico tools, PIK3CD c.1057A>G (p.Met353Val) is classified as Likely Benign

Literature cited by the submitters: PubMed 31031754 (cited by Rarefied Biosciences Lab).

NM_005026.5(PIK3CD):c.1057A>G (p.Met353Val)

Genes: PIK3CD (phosphatidylinositol-4,5-bisphosphate 3-kinase catalytic subunit delta; plus strand), LOC126805612 (MED14-independent group 3 enhancer GRCh37_chr1:9778914-9780113; plus strand). Cytogenetic location: 1p36.22.
Variant type: single nucleotide variant.
Coding change: c.1057A>G on transcript NM_005026.5 (MANE Select); coding-DNA position 1057, A replaced by G.
Protein change: p.Met353Val; replaces methionine 353 with valine.
Molecular consequence: missense variant.
Genome position (GRCh38, 1-based): chr1:9,718,730, A>G. VCF-style: chr1-9718730-A-G. GRCh37 (hg19) VCF-style: chr1-9778788-A-G.
Other names: c.1057A>G, p.Met353Val (NM_001350234.2); c.970A>G, p.Met324Val (NM_001350235.1); short protein forms M324V, M353V.
Identifiers: ClinVar variation 1495102 (VCV001495102.9), dbSNP rs1647973216, ClinGen allele CA338302007.